The following is an entry in ClinVar:

NM_001145026.2(PTPRQ):c.4609+1G>A

Gene: PTPRQ (protein tyrosine phosphatase receptor type Q; plus strand). Cytogenetic location: 12q21.31.
Variant type: single nucleotide variant.
Coding change: c.4609+1G>A on transcript NM_001145026.2 (MANE Select); the canonical splice donor site of the intron after coding-DNA position 4609, G replaced by A.
Molecular consequence: splice donor variant.
Genome position (GRCh38, 1-based): chr12:80,588,453, G>A. VCF-style: chr12-80588453-G-A. GRCh37 (hg19) VCF-style: chr12-80982232-G-A.
Other names: c.4609+1G>A (NM_001145026.1).
Identifiers: ClinVar variation 3374715 (VCV003374715.2).
Genomic context (GRCh38, chr12:80,588,453, plus strand): 5'-GCACCAATGCTGGCTATGGCAATGCTTCAAACTGGATTTCTACAAAAACTCTGCCTGGCC[G>A]TGAGTATTGTCCTGACATGTACATACTGATTTCTGTTATATTCTGTATCTGTCTATATAT-3'

ClinVar aggregate classification (germline): Conflicting classifications of pathogenicity. Review status: criteria provided, conflicting classifications (1 of 4 stars). 2 submissions from 2 submitters: Likely pathogenic (1); Uncertain significance (1). Last evaluated 2026-04-14.

Conditions:
PTPRQ-related disorder. Also called: PTPRQ-related condition.

gnomAD v4.1: 22 of 1,475,630 alleles (0.0015%); highest among the groups gnomAD compares: East Asian, 0.0074%; no homozygotes.

Submissions (2):

PreventionGenetics, part of Exact Sciences
Classification: Likely pathogenic for PTPRQ-related condition. Last evaluated: 2026-04-14. Review status: criteria provided, single submitter. Criteria: ACMG Guidelines, 2015. Collection method: clinical testing. Allele origin: germline.
Comment: The PTPRQ c.4609+1G>A variant is predicted to disrupt the GT donor site and interfere with normal splicing. This variant has been reported in at least one individual with hearing loss in the compound heterozygous state to a truncating variant (described as as c.4093+1G>A, Sakuma. 2024. PubMed ID: 38674423; Table S2, Usami. 2022. PubMed ID: 34599366). This variant is reported in 0.025% of alleles in individuals of South Asian descent in gnomAD. Variants that disrupt the consensus splice donor site in PTPRQ are expected to be pathogenic. This variant is interpreted as likely pathogenic.

Institute of Human Genetics, Clinical Exome/Genome Diagnostics Group, University Hospital Bonn
Classification: Uncertain significance. Last evaluated: 2023-10-16. Review status: criteria provided, single submitter. Criteria: ACMG Guidelines, 2015. Collection method: clinical testing. Allele origin: paternal.